The following is an entry in ClinVar:

ClinVar aggregate classification (germline): Benign/Likely benign. Review status: criteria provided, multiple submitters, no conflicts (2 of 4 stars). 4 submissions from 4 submitters: Benign (1); Likely benign (3). Last evaluated 2026-07-08.

Conditions:
Rhabdoid tumor predisposition syndrome 2 (RTPS2). Identifiers: Orphanet 231108, Orphanet 69077, MedGen C2750074, MONDO:0013224, OMIM 613325.
Hereditary cancer-predisposing syndrome. Also called: Hereditary Cancer Syndrome; Hereditary neoplastic syndrome; Neoplastic Syndromes, Hereditary; Tumor predisposition. Identifiers: Orphanet 140162, MedGen C0027672, MeSH D009386, MONDO:0015356.

Allele frequency attached by ClinVar (database versions not stated): gnomAD exomes below 0.00001; gnomAD 0.00001; TOPMed 0.00003.
gnomAD v4.1: 15 of 1,613,700 alleles (0.00093%); highest among the groups gnomAD compares: Non-Finnish European, 0.0013%; no homozygotes.

Submissions (4):

Myriad Genetics, Inc.
Classification: Benign for Rhabdoid tumor predisposition syndrome 2. Last evaluated: 2026-07-08. Review status: criteria provided, single submitter. Criteria: Myriad Autosomal Dominant, Autosomal Recessive and X-Linked Classification Criteria (2023). Collection method: clinical testing. Allele origin: unknown.
Comment: This variant is considered benign. This variant is a silent/synonymous amino acid change and it is not expected to impact splicing.

Labcorp Genetics (formerly Invitae), Labcorp
Classification: Likely benign for Rhabdoid tumor predisposition syndrome 2. Last evaluated: 2026-01-19. Review status: criteria provided, single submitter. Criteria: Invitae Variant Classification Sherloc (09022015). Collection method: clinical testing. Allele origin: germline.

Sema4
Classification: Likely benign for Hereditary cancer-predisposing syndrome. Last evaluated: 2021-10-28. Review status: criteria provided, single submitter. Criteria: Sema4 Curation Guidelines. Collection method: curation. Allele origin: germline.

Ambry Genetics
Classification: Likely benign for Hereditary cancer-predisposing syndrome. Last evaluated: 2017-03-30. Review status: criteria provided, single submitter. Criteria: Ambry Variant Classification Scheme 2023. Collection method: clinical testing. Allele origin: germline.

NM_003072.5(SMARCA4):c.363C>G (p.Pro121=)

Gene: SMARCA4 (SWI/SNF related BAF chromatin remodeling complex subunit ATPase 4; plus strand). Cytogenetic location: 19p13.2.
Variant type: single nucleotide variant.
Coding change: c.363C>G on transcript NM_003072.5 (MANE Select); coding-DNA position 363, C replaced by G.
Protein change: p.Pro121=; no amino-acid change (proline 121 retained).
Molecular consequence: synonymous variant. On other transcripts: non-coding transcript variant (1).
Genome position (GRCh38, 1-based): chr19:10,986,196, C>G. VCF-style: chr19-10986196-C-G. GRCh37 (hg19) VCF-style: chr19-11096872-C-G.
Other names: c.363C>G, p.Pro121= (NM_001128844.3, NM_001128845.2, NM_001128846.2 and 5 more transcripts).
Identifiers: ClinVar variation 415122 (VCV000415122.18), dbSNP rs1060504450, ClinGen allele CA16616092.